The following continues an entry in ClinVar:

NM_007294.4(BRCA1):c.3756_3759del (p.Ser1253fs)

ClinVar aggregate classification (germline): Pathogenic. Pathogenic (1).

Submissions 63 to 64 of 64:

Department of Pathology and Laboratory Medicine, Sinai Health System
Classification: Pathogenic for breast cancer. Review status: no assertion criteria provided. Collection method: clinical testing. Allele origin: unknown. Affected: yes. Observed: 5 variant alleles. Not counted in ClinVar's aggregate classification.
Comment: The p.Ser1253ArgfsX10 variant has been identified in 17 out of 6280 proband chromosomes (frequency 0.003) in individuals with breast and ovarian cancer phenotype, but not found in 200 control chromosomes included in these studies (Turner 1999, Langston 1996, Castilla 1994, Zhang 2011, Gaj 2012). It is also listed in dbSNP database presented ?with untested allele? (ID#: rs80357868) while no frequency information is provided; however, this variant has been listed 27X in the UMD and 123X in the BIC database as a clinically significant mutation. The p.Ser1253ArgfsX10 variant is predicted to cause a frameshift, which alters the protein's amino acid sequence beginning at codon 1253 and leads to a premature stop codon 10 codons downstream. This alteration is then predicted to lead to a truncated or absent BRCA1 protein. Loss of function of the BRCA1 gene is an established disease mechanism in familial breast and ovarian cancer patients. In summary, based on the above information, this variant is classified as pathogenic.

Diagnostic Laboratory, Department of Genetics, University Medical Center Groningen
Classification: Pathogenic for Breast-ovarian cancer, familial, susceptibility to, 1. Review status: no assertion criteria provided. Collection method: clinical testing. Allele origin: germline. Affected: yes. Study: VKGL Data-share Consensus. Not counted in ClinVar's aggregate classification.

Literature cited by the submitters: PubMed 20104584 (cited by 4 submitters); PubMed 7894491 (cited by 11 submitters); PubMed 21324516 (cited by 10 submitters); PubMed 21989927 (cited by 7 submitters); PubMed 23633455 (cited by 6 submitters); PubMed 16168118 (cited by 4 submitters); PubMed 22711857 (cited by 4 submitters); PubMed 23199084 (cited by 5 submitters); PubMed 31853058 (cited by Color Diagnostics, LLC DBA Color Health); PubMed 33471991 (cited by 4 submitters); PubMed 40413188 (cited by Color Diagnostics, LLC DBA Color Health); PubMed 32375709 (cited by Dasa); PubMed 21989022 (cited by Dasa); PubMed 11802209 (cited by 4 submitters); PubMed 28423363 (cited by 3 submitters); PubMed 28724667 (cited by 3 submitters); PubMed 29339979 (cited by 4 submitters); PubMed 30702160 (cited by Ambry Genetics and Quest Diagnostics Nichols Institute San Juan Capistrano); PubMed 18431737 (cited by Institute for Genomic Medicine (IGM) Clinical Laboratory, Nationwide Children's Hospital); PubMed 26515461 (cited by Institute for Genomic Medicine (IGM) Clinical Laboratory, Nationwide Children's Hospital); PubMed 35236825 (cited by Institute for Genomic Medicine (IGM) Clinical Laboratory, Nationwide Children's Hospital); PubMed 33646313 (cited by Institute for Genomic Medicine (IGM) Clinical Laboratory, Nationwide Children's Hospital and Quest Diagnostics Nichols Institute San Juan Capistrano); PubMed 32885271 (cited by Institute for Genomic Medicine (IGM) Clinical Laboratory, Nationwide Children's Hospital and Quest Diagnostics Nichols Institute San Juan Capistrano); PubMed 33087929 (cited by Institute for Genomic Medicine (IGM) Clinical Laboratory, Nationwide Children's Hospital and Quest Diagnostics Nichols Institute San Juan Capistrano); PubMed 32341426 (cited by Institute for Genomic Medicine (IGM) Clinical Laboratory, Nationwide Children's Hospital and Quest Diagnostics Nichols Institute San Juan Capistrano); PubMed 32101877 (cited by Institute for Genomic Medicine (IGM) Clinical Laboratory, Nationwide Children's Hospital and Quest Diagnostics Nichols Institute San Juan Capistrano); PubMed 31472684 (cited by Institute for Genomic Medicine (IGM) Clinical Laboratory, Nationwide Children's Hospital and Quest Diagnostics Nichols Institute San Juan Capistrano); PubMed 31360904 (cited by Institute for Genomic Medicine (IGM) Clinical Laboratory, Nationwide Children's Hospital and Quest Diagnostics Nichols Institute San Juan Capistrano); PubMed 30972954 (cited by Institute for Genomic Medicine (IGM) Clinical Laboratory, Nationwide Children's Hospital and Quest Diagnostics Nichols Institute San Juan Capistrano); PubMed 30875412 (cited by Institute for Genomic Medicine (IGM) Clinical Laboratory, Nationwide Children's Hospital and Quest Diagnostics Nichols Institute San Juan Capistrano); PubMed 30535581 (cited by Institute for Genomic Medicine (IGM) Clinical Laboratory, Nationwide Children's Hospital and Quest Diagnostics Nichols Institute San Juan Capistrano); PubMed 27836010 (cited by Institute for Genomic Medicine (IGM) Clinical Laboratory, Nationwide Children's Hospital and Quest Diagnostics Nichols Institute San Juan Capistrano); PubMed 22798144 (cited by Institute for Genomic Medicine (IGM) Clinical Laboratory, Nationwide Children's Hospital and Women's Health and Genetics/Laboratory Corporation of America, LabCorp); PubMed 29446198 (cited by 3 submitters); PubMed 33287145 (cited by 3 submitters); PubMed 11597388 (cited by Mayo Clinic Laboratories, Mayo Clinic and Quest Diagnostics Nichols Institute San Juan Capistrano); PubMed 12947551 (cited by 3 submitters); PubMed 19863560 (cited by Mayo Clinic Laboratories, Mayo Clinic and Counsyl); PubMed 24504028 (cited by Mayo Clinic Laboratories, Mayo Clinic and Quest Diagnostics Nichols Institute San Juan Capistrano); PubMed 25085752 (cited by Mayo Clinic Laboratories, Mayo Clinic and Quest Diagnostics Nichols Institute San Juan Capistrano); PubMed 27062684 (cited by Mayo Clinic Laboratories, Mayo Clinic and Quest Diagnostics Nichols Institute San Juan Capistrano); PubMed 26681312 (cited by Quest Diagnostics Nichols Institute San Juan Capistrano and Laboratory for Molecular Medicine, Mass General Brigham Personalized Medicine); PubMed 28176296 (cited by Quest Diagnostics Nichols Institute San Juan Capistrano); PubMed 29310832 (cited by Quest Diagnostics Nichols Institute San Juan Capistrano and Sema4); PubMed 30078507 (cited by Quest Diagnostics Nichols Institute San Juan Capistrano); PubMed 30093976 (cited by Quest Diagnostics Nichols Institute San Juan Capistrano); PubMed 30322717 (cited by Quest Diagnostics Nichols Institute San Juan Capistrano); PubMed 30720243 (cited by Quest Diagnostics Nichols Institute San Juan Capistrano); PubMed 31090900 (cited by Quest Diagnostics Nichols Institute San Juan Capistrano); PubMed 31159747 (cited by Quest Diagnostics Nichols Institute San Juan Capistrano); PubMed 31447099 (cited by Quest Diagnostics Nichols Institute San Juan Capistrano); PubMed 31742824 (cited by Quest Diagnostics Nichols Institute San Juan Capistrano); PubMed 31825140 (cited by Quest Diagnostics Nichols Institute San Juan Capistrano); PubMed 32388397 (cited by Quest Diagnostics Nichols Institute San Juan Capistrano and Sema4); PubMed 32719484 (cited by Quest Diagnostics Nichols Institute San Juan Capistrano); PubMed 8531967 (cited by 3 submitters); PubMed 11183185 (cited by Quest Diagnostics Nichols Institute San Juan Capistrano); PubMed 10506595 (cited by Quest Diagnostics Nichols Institute San Juan Capistrano); PubMed 26295337 (cited by Quest Diagnostics Nichols Institute San Juan Capistrano); PubMed 10644434 (cited by Women's Health and Genetics/Laboratory Corporation of America, LabCorp); PubMed 10486320 (cited by Women's Health and Genetics/Laboratory Corporation of America, LabCorp); PubMed 26843898 (cited by Women's Health and Genetics/Laboratory Corporation of America, LabCorp); PubMed 11139249 (cited by Women's Health and Genetics/Laboratory Corporation of America, LabCorp); PubMed 10952774 (cited by Women's Health and Genetics/Laboratory Corporation of America, LabCorp); PubMed 32295079 (cited by CZECANCA consortium); PubMed 16847550 (cited by Counsyl); PubMed 19241424 (cited by Counsyl); PubMed 19491284 (cited by Counsyl); PubMed 12393792 (cited by Counsyl); PubMed 15024741 (cited by Breast Cancer Information Core (BIC) (BRCA1)).